The following is an entry in ClinVar:

ClinVar aggregate classification (germline): Uncertain significance. Review status: criteria provided, multiple submitters, no conflicts (2 of 4 stars). 3 submissions from 3 submitters: Uncertain significance (3). Last evaluated 2024-11-09.

Conditions:
Cardiovascular phenotype. Identifiers: MedGen CN230736.

Allele frequency attached by ClinVar (database versions not stated): gnomAD 0.00001; TOPMed 0.00002.
gnomAD v4.1: 4 of 1,612,720 alleles (0.00025%); highest among the groups gnomAD compares: Admixed American, 0.0017%; no homozygotes.

Submissions (3):

Ambry Genetics
Classification: Uncertain significance for Cardiovascular phenotype. Last evaluated: 2024-11-09. Review status: criteria provided, single submitter. Criteria: Ambry Variant Classification Scheme 2023. Collection method: clinical testing. Allele origin: germline.

GeneDx
Classification: Uncertain significance. Last evaluated: 2022-11-09. Review status: criteria provided, single submitter. Criteria: GeneDx Variant Classification Process June 2021. Collection method: clinical testing. Allele origin: germline. Affected: yes.
Comment: Not observed at significant frequency in large population cohorts (gnomAD); In silico analysis supports that this missense variant does not alter protein structure/function; Has not been previously published as pathogenic or benign to our knowledge

Labcorp Genetics (formerly Invitae), Labcorp
Classification: Uncertain significance. Last evaluated: 2022-09-19. Review status: criteria provided, single submitter. Criteria: Invitae Variant Classification Sherloc (09022015). Collection method: clinical testing. Allele origin: germline.
Comment: Advanced modeling of protein sequence and biophysical properties (such as structural, functional, and spatial information, amino acid conservation, physicochemical variation, residue mobility, and thermodynamic stability) performed at Invitae indicates that this missense variant is not expected to disrupt ALPK3 protein function. In summary, the available evidence is currently insufficient to determine the role of this variant in disease. Therefore, it has been classified as a Variant of Uncertain Significance. This variant has not been reported in the literature in individuals affected with ALPK3-related conditions. This sequence change replaces threonine, which is neutral and polar, with alanine, which is neutral and non-polar, at codon 1198 of the ALPK3 protein (p.Thr1198Ala). This variant is not present in population databases (gnomAD no frequency).

NM_020778.5(ALPK3):c.2986A>G (p.Thr996Ala)

Gene: ALPK3 (alpha kinase 3; plus strand). Cytogenetic location: 15q25.3.
Variant type: single nucleotide variant.
Coding change: c.2986A>G on transcript NM_020778.5 (MANE Select); coding-DNA position 2986, A replaced by G.
Protein change: p.Thr996Ala; replaces threonine 996 with alanine.
Molecular consequence: missense variant.
Genome position (GRCh38, 1-based): chr15:84,857,724, A>G. VCF-style: chr15-84857724-A-G. GRCh37 (hg19) VCF-style: chr15-85400955-A-G.
Other names: c.3592A>G (NM_020778.4); short protein forms T996A.
Identifiers: ClinVar variation 2168574 (VCV002168574.6), dbSNP rs1212861227, ClinGen allele CA393359378.